The following continues an entry in ClinVar:

NM_000053.4(ATP7B):c.2305A>G (p.Met769Val)

Gene: ATP7B. ClinVar aggregate classification (germline): Pathogenic. Pathogenic (23).

Submissions 10 to 23 of 23:

Color Diagnostics, LLC DBA Color Health
Classification: Pathogenic for Wilson disease. Last evaluated: 2024-04-04. Review status: criteria provided, single submitter. Criteria: ACMG Guidelines, 2015. Collection method: clinical testing. Allele origin: germline.
Comment: This missense variant replaces methionine with valine at codon 769 of the ATP7B protein. Computational prediction suggests that this variant may have deleterious impact on protein structure and function. Functional studies have shown conflicting results on this variant's impact on copper transport activity (PMID: 9837819, 10942420, 12557139, 18203200, 17717039, 22240481, 22806248). This variant has been reported in individuals affected with Wilson disease (PMID: 10502777, 11405812, 11690702, 15202786, 17449133, 17949296, 19118915, 20082719, 20517649, 21610751, 23518715, 23982005, 27022412, 27706781, 29321352, 29431110, 31980526, 33159804, 33640437, 34400371). In a number of these individuals, this variant was confirmed to be in the compound heterozygous state (PMID: 29321352, 33159804, 33640437) or the homozygous state (PMID: 19118915, 22806248, 32028086). This variant has been identified in 20/280946 chromosomes in the general population by the Genome Aggregation Database (gnomAD). Based on the available evidence, this variant is classified as Pathogenic.

Baylor Genetics
Classification: Pathogenic for Wilson disease. Last evaluated: 2024-03-27. Review status: criteria provided, single submitter. Criteria: ACMG Guidelines, 2015. Collection method: clinical testing. Allele origin: unknown.

Blueprint Genetics
Classification: Pathogenic for ATP7B-related disorders. Last evaluated: 2024-03-19. Review status: criteria provided, single submitter. Criteria: ACMG Guidelines, 2015. Collection method: clinical testing. Allele origin: germline. Affected: yes. Observed: 5 variant alleles.

GeneDx
Classification: Pathogenic. Last evaluated: 2024-02-23. Review status: criteria provided, single submitter. Criteria: GeneDx Variant Classification Process June 2021. Collection method: clinical testing. Allele origin: germline. Affected: yes.
Comment: Observed multiple times with a second ATP7B pathogenic variant in unrelated patients with Wilson disease referred for genetic testing at GeneDx and in published literature; however, it is not known whether the variants occurred on the same allele (in cis) or on different alleles (in trans) in all cases (PMID: 33159804, 20517649, 21610751); Published functional studies found M769V is associated with significantly reduced copper uptake and decreased thermal stability compared to wildtype (PMID: 22240481, 9837819); In silico analysis supports that this missense variant has a deleterious effect on protein structure/function; This variant is associated with the following publications: (PMID: 9311736, 11405812, 19118915, 24253677, 18371106, 21610751, 34400371, 35271763, 9837819, 20517649, 7626145, 11093740, 22692182, 23518715, 10502777, 27022412, 29431110, 17717039, 16939419, 14986826, 11690702, 12557139, 10942420, 29321352, 31980526, 33159804, 27535533, 22240481)

Fulgent Genetics
Classification: Pathogenic for Wilson disease. Last evaluated: 2024-02-11. Review status: criteria provided, single submitter. Criteria: ACMG Guidelines, 2015. Collection method: clinical testing. Allele origin: germline.

Revvity Omics, Revvity
Classification: Pathogenic for Wilson disease. Last evaluated: 2022-12-20. Review status: criteria provided, single submitter. Criteria: ACMG Guidelines, 2015. Collection method: clinical testing. Allele origin: germline.

AiLife Diagnostics
Classification: Pathogenic. Last evaluated: 2021-11-17. Review status: criteria provided, single submitter. Criteria: ACMG Guidelines, 2015. Collection method: clinical testing. Allele origin: germline. Affected: yes. Observed: 2 variant alleles.

Genome-Nilou Lab
Classification: Pathogenic for Wilson disease. Last evaluated: 2021-08-10. Review status: criteria provided, single submitter. Criteria: ACMG Guidelines, 2015. Collection method: clinical testing. Allele origin: germline. Affected: no.

Laboratory for Molecular Medicine, Mass General Brigham Personalized Medicine
Classification: Pathogenic for Wilson disease. Last evaluated: 2020-06-11. Review status: criteria provided, single submitter. Criteria: ACMG Guidelines, 2015. Collection method: clinical testing. Allele origin: germline.
Comment: The p.Met769Val variant in ATP7B has been identified in the homozygous or compound heterozygous state in at least 6 individuals with Wilson disease (Curtis 1999, Caca 2001, Lepori 2007, Nicastro 2009, Weiss 2010, Moller 2011). It has also been identified in 0.016% (20/128686) of European chromosomes by gnomAD and reported in ClinVar (Variation ID 35706). In vitro functional studies support an impact on protein function (Forbes 2000, Huster 2012, ). In addition, computational prediction tools and conservation analyses are consistent with pathogenicity. In summary, this variant meets criteria to be classified as pathogenic for autosomal recessive Wilson disease. ACMG/AMP criteria applied: PM3_VeryStrong, PM2_Supporting, PP3, PP4, PS3_Supporting.

Myriad Genetics, Inc.
Classification: Pathogenic for Wilson disease. Last evaluated: 2019-12-24. Review status: criteria provided, single submitter. Criteria: Myriad Women's Health Autosomal Recessive and X-Linked Classification Criteria (2019). Collection method: clinical testing. Allele origin: unknown.
Comment: NM_000053.3(ATP7B):c.2305A>G(M769V) is classified as pathogenic in the context of Wilson disease. Sources cited for classification include the following: PMID 9837819, 19118915, 23518715, 22692182, 24253677, 22240481 and 10942420. Classification of NM_000053.3(ATP7B):c.2305A>G(M769V) is based on the following criteria: This is a well-established pathogenic variant in the literature that has been observed more frequently in patients with clinical diagnoses than in healthy populations. Please note: this variant was assessed in the context of healthy population screening.

Genetic Services Laboratory, University of Chicago
Classification: Pathogenic for Wilson disease. Last evaluated: 2017-08-14. Review status: criteria provided, single submitter. Criteria: ACMG Guidelines, 2015. Collection method: clinical testing. Allele origin: germline. Affected: yes.

Ambry Genetics
Classification: Pathogenic for Inborn genetic diseases. Last evaluated: 2017-06-22. Review status: criteria provided, single submitter. Criteria: Ambry Variant Classification Scheme 2023. Collection method: clinical testing. Allele origin: germline.
Comment: The p.M769V pathogenic mutation (also known as c.2305A>G), located in coding exon 8 of the ATP7B gene, results from an A to G substitution at nucleotide position 2305. The methionine at codon 769 is replaced by valine, an amino acid with highly similar properties. This mutation was reported in multiple unrelated individuals (Curtis D et al. Hum. Mutat., 1999;14:304-11; Garc&iacute;a-Villarreal L et al. Hepatology, 2000 Dec;32:1329-36; Caca K et al. J. Hepatol., 2001 Nov;35:575-81; Weiss KH et al. J. Inherit. Metab. Dis., 2010 Dec;33 Suppl 3:S233-40), including two homozygous individuals with hepatic Wilson disease (Nicastro E et al. J. Hepatol., 2009 Mar;50:555-61). Functional studies demonstrated that this mutation impairs the protein function (Forbes JR et al. Am. J. Hum. Genet., 1998 Dec;63:1663-74; Huster D et al. Gastroenterology, 2012 Apr;142:947-956.e5). Based on the supporting evidence, this alteration is interpreted as a disease-causing mutation.

Eurofins Ntd Llc (ga)
Classification: Pathogenic. Last evaluated: 2016-06-28. Review status: criteria provided, single submitter. Criteria: EGL Classification Definitions. Collection method: clinical testing. Allele origin: germline. Observed: 6 variant alleles, 5 heterozygotes, 1 homozygote.

Women's Health and Genetics/Laboratory Corporation of America, LabCorp
Classification: Pathogenic for Wilson Disease. Last evaluated: 2011-08-18. Review status: criteria provided, single submitter. Criteria: LabCorp Variant Classification Summary - May 2015. Collection method: curation, clinical testing. Allele origin: germline. Inheritance: autosomal recessive. Affected: yes. Observed: 22 variant alleles.
ClinVar note: Converted during submission from pathogenic to Pathogenic.

Literature cited by the submitters: PubMed 7626145 (cited by 5 submitters); PubMed 11690702 (cited by 5 submitters); PubMed 19118915 (cited by 9 submitters); PubMed 20517649 (cited by 7 submitters); PubMed 21610751 (cited by 5 submitters); PubMed 9837819 (cited by 9 submitters); PubMed 22240481 (cited by 8 submitters); PubMed 33159804 (cited by 3 submitters); PubMed 10502777 (cited by 6 submitters); PubMed 10942420 (cited by 5 submitters); PubMed 17680703 (cited by Mayo Clinic Laboratories, Mayo Clinic); PubMed 18371106 (cited by Mayo Clinic Laboratories, Mayo Clinic and Women's Health and Genetics/Laboratory Corporation of America, LabCorp); PubMed 22806248 (cited by 3 submitters); PubMed 23982005 (cited by 3 submitters); PubMed 29321352 (cited by 3 submitters); PubMed 29431110 (cited by 5 submitters); PubMed 29674751 (cited by Mayo Clinic Laboratories, Mayo Clinic); PubMed 11405812 (cited by 4 submitters); PubMed 12557139 (cited by 3 submitters); PubMed 15202786 (cited by All of Us Research Program, National Institutes of Health and Color Diagnostics, LLC DBA Color Health); PubMed 17449133 (cited by All of Us Research Program, National Institutes of Health and Color Diagnostics, LLC DBA Color Health); PubMed 17717039 (cited by 3 submitters); PubMed 17949296 (cited by 3 submitters); PubMed 18203200 (cited by All of Us Research Program, National Institutes of Health and Color Diagnostics, LLC DBA Color Health); PubMed 20082719 (cited by All of Us Research Program, National Institutes of Health and Color Diagnostics, LLC DBA Color Health); PubMed 23518715 (cited by 3 submitters); PubMed 27022412 (cited by All of Us Research Program, National Institutes of Health and Color Diagnostics, LLC DBA Color Health); PubMed 27706781 (cited by All of Us Research Program, National Institutes of Health and Color Diagnostics, LLC DBA Color Health); PubMed 31980526 (cited by 3 submitters); PubMed 32028086 (cited by All of Us Research Program, National Institutes of Health and Color Diagnostics, LLC DBA Color Health); PubMed 33640437 (cited by All of Us Research Program, National Institutes of Health and Color Diagnostics, LLC DBA Color Health); PubMed 34400371 (cited by All of Us Research Program, National Institutes of Health and Color Diagnostics, LLC DBA Color Health); PubMed 22692182 (cited by 3 submitters); PubMed 11093740 (cited by 3 submitters); PubMed 24253677 (cited by Myriad Genetics, Inc.); PubMed 9311736 (cited by Ambry Genetics and Women's Health and Genetics/Laboratory Corporation of America, LabCorp); PubMed 14986826 (cited by Women's Health and Genetics/Laboratory Corporation of America, LabCorp); PubMed 16939419 (cited by Women's Health and Genetics/Laboratory Corporation of America, LabCorp).